The following is an entry in ClinVar:

ClinVar aggregate classification (germline): Benign/Likely benign. Review status: criteria provided, multiple submitters, no conflicts (2 of 4 stars). 9 submissions from 9 submitters: Benign (5); Likely benign (3). 1 of the submissions does not count toward it. Last evaluated 2026-01-26.

Conditions:
Tuberous sclerosis syndrome (TSC). Also called: Tuberous Sclerosis Complex; Tuberous sclerosis. Identifiers: Orphanet 805, MedGen C0041341, MONDO:0001734.
TSC2-related disorder. Also called: TSC2-related condition; TSC2-Related Disorders.
Hereditary cancer-predisposing syndrome. Also called: Hereditary neoplastic syndrome; Tumor predisposition; Neoplastic Syndromes, Hereditary; Hereditary Cancer Syndrome. Identifiers: Orphanet 140162, MedGen C0027672, MeSH D009386, MONDO:0015356.
Tuberous sclerosis 2 (TSC2). Identifiers: Orphanet 805, MedGen C1860707, MONDO:0013199, OMIM 613254.

Allele frequency attached by ClinVar (database versions not stated): TOPMed 0.00001; gnomAD 0.00003 and 0.00007; gnomAD exomes 0.00004; ExAC 0.00007; 1000 Genomes Project 0.00060; 1000 Genomes Project 30x 0.00062.
gnomAD v4.1: 28 of 1,613,796 alleles (0.0017%); highest among the groups gnomAD compares: East Asian, 0.02%; no homozygotes.

Submissions (9):

Labcorp Genetics (formerly Invitae), Labcorp
Classification: Benign for Tuberous sclerosis 2. Last evaluated: 2026-01-26. Review status: criteria provided, single submitter. Criteria: Invitae Variant Classification Sherloc (09022015). Collection method: clinical testing. Allele origin: germline.

Myriad Genetics, Inc.
Classification: Benign for Tuberous sclerosis 2. Last evaluated: 2025-05-15. Review status: criteria provided, single submitter. Criteria: Myriad Autosomal Dominant, Autosomal Recessive and X-Linked Classification Criteria (2023). Collection method: clinical testing. Allele origin: unknown.
Comment: This variant is considered benign. This variant is a silent/synonymous amino acid change and it is not expected to impact splicing.

CeGaT Center for Human Genetics Tuebingen
Classification: Likely benign. Last evaluated: 2025-04-01. Review status: criteria provided, single submitter. Criteria: CeGaT Center For Human Genetics Tuebingen Variant Classification Criteria Version 2. Collection method: clinical testing. Allele origin: germline. Affected: yes. Observed: 1 variant allele.
Comment: TSC2: BP4, BP7

All of Us Research Program, National Institutes of Health
Classification: Benign for Tuberous sclerosis syndrome. Last evaluated: 2023-12-01. Review status: criteria provided, single submitter. Criteria: ACMG Guidelines, 2015. Collection method: clinical testing. Allele origin: germline. Inheritance: Autosomal dominant inheritance. Observed: 9 variant alleles, 9 heterozygotes.
Comment: This study involves interpretation of variants in research participants for the purpose of population health screening. Participant phenotype was not available at the time of variant classification. Additional details can be found in publication PMID: 35346344, PMCID: PMC8962531

Color Diagnostics, LLC DBA Color Health
Classification: Benign for Tuberous sclerosis syndrome. Last evaluated: 2022-09-21. Review status: criteria provided, single submitter. Criteria: ACMG Guidelines, 2015. Collection method: clinical testing. Allele origin: germline.

Genome-Nilou Lab
Classification: Benign for Tuberous sclerosis 2. Last evaluated: 2021-11-07. Review status: criteria provided, single submitter. Criteria: ACMG Guidelines, 2015. Collection method: clinical testing. Allele origin: germline. Affected: no.

GeneDx
Classification: Likely benign. Last evaluated: 2018-08-29. Review status: criteria provided, single submitter. Criteria: GeneDx Variant Classification Process June 2021. Collection method: clinical testing. Allele origin: germline. Affected: yes.

Ambry Genetics
Classification: Likely benign for Hereditary cancer-predisposing syndrome. Last evaluated: 2016-08-10. Review status: criteria provided, single submitter. Criteria: Ambry Variant Classification Scheme 2023. Collection method: clinical testing. Allele origin: germline.

PreventionGenetics, part of Exact Sciences
Classification: Likely benign for TSC2-related condition. Last evaluated: 2022-06-10. Review status: no assertion criteria provided. Collection method: clinical testing. Allele origin: germline. Not counted in ClinVar's aggregate classification.
Comment: This variant is classified as likely benign based on ACMG/AMP sequence variant interpretation guidelines (Richards et al. 2015 PMID: 25741868, with internal and published modifications).

NM_000548.5(TSC2):c.1642A>C (p.Arg548=)

Gene: TSC2 (TSC complex subunit 2; plus strand). Cytogenetic location: 16p13.3.
Variant type: single nucleotide variant.
Coding change: c.1642A>C on transcript NM_000548.5 (MANE Select); coding-DNA position 1642, A replaced by C.
Protein change: p.Arg548=; no amino-acid change (arginine 548 retained).
Molecular consequence: synonymous variant.
Genome position (GRCh38, 1-based): chr16:2,065,561, A>C. VCF-style: chr16-2065561-A-C. GRCh37 (hg19) VCF-style: chr16-2115562-A-C.
Other names: c.1642A>C, p.Arg548= (NM_001077183.3, NM_001114382.3, NM_001363528.2 and 3 more transcripts); c.1531A>C, p.Arg511= (NM_001318827.2); c.1495A>C, p.Arg499= (NM_001318829.2); c.1042A>C, p.Arg348= (NM_001318831.2); c.1675A>C, p.Arg559= (NM_001318832.2); c.1642A>C (NM_000548.4).
Identifiers: ClinVar variation 467886 (VCV000467886.32), dbSNP rs565375272, ClinGen allele CA031923.